The following is an entry in ClinVar:

ClinVar aggregate classification (germline): Uncertain significance (1 of 4 stars; one submission).

Conditions:
Polycystic kidney disease 6 with or without polycystic liver disease. Also called: Autosomal Dominant Polycystic Kidney Disease-DNAJB11. Identifiers: MedGen C4748044, MONDO:0054842, OMIM 618061.

Submission:

MVZ Medizinische Genetik Mainz
Classification: Uncertain significance for Polycystic kidney disease 6 with or without polycystic liver disease. Last evaluated: 2024-02-05. Review status: criteria provided, single submitter. Criteria: UK Practice Guidelines For Variant Classification V4 01 2020. Collection method: clinical testing. Allele origin: germline. Inheritance: Autosomal dominant inheritance. Affected: yes. Observed: 1 variant allele.
Comment: ACMG Criteria: PM2_SUP,PP3

NM_016306.6(DNAJB11):c.226-17C>G

Gene: DNAJB11 (DnaJ heat shock protein family (Hsp40) member B11; plus strand). Cytogenetic location: 3q27.3.
Variant type: single nucleotide variant.
Coding change: c.226-17C>G on transcript NM_016306.6 (MANE Select); 17 bases into the intron before coding-DNA position 226, C replaced by G.
Molecular consequence: intron variant.
Genome position (GRCh38, 1-based): chr3:186,575,823, C>G. VCF-style: chr3-186575823-C-G. GRCh37 (hg19) VCF-style: chr3-186293612-C-G.
Other names: c.226-17C>G (NM_001378451.1).
Identifiers: ClinVar variation 3068379 (VCV003068379.1), dbSNP rs41268607, ClinGen allele CA2825001257.
Genomic context (GRCh38, chr3:186,575,823, plus strand): 5'-ACAAACATAAATATGACTGTGCCTTAACTGGATATTACCAACTCATGATCTTTTCCTCCA[C>G]TGGCTTTTATCCCCAGGTTCTGTCAGATAGTGAGAAACGGAAACAGTACGATACTTATGG-3'